The following is an entry in ClinVar:

NM_001267550.2(TTN):c.107647T>G (p.Ser35883Ala)

Genes: TTN (titin; minus strand), TTN-AS1 (TTN antisense RNA 1; plus strand). Cytogenetic location: 2q31.2.
Variant type: single nucleotide variant.
Coding change: c.107647T>G on transcript NM_001267550.2 (MANE Select); coding-DNA position 107647, T replaced by G.
Protein change: p.Ser35883Ala; replaces serine 35883 with alanine.
Molecular consequence: missense variant.
Genome position (GRCh38, 1-based): chr2:178,527,479, A>C on the plus strand (T>G on the coding strand, the complement: TTN is on the minus strand). VCF-style: chr2-178527479-A-C. GRCh37 (hg19) VCF-style: chr2-179392206-A-C.
Other names: c.102724T>G, p.Ser34242Ala (NM_001256850.1); c.80452T>G, p.Ser26818Ala (NM_003319.4); c.99943T>G, p.Ser33315Ala (NM_133378.4); c.80827T>G, p.Ser26943Ala (NM_133432.3); c.81028T>G, p.Ser27010Ala (NM_133437.4); short protein forms S34242A, S35883A, S33315A, S26818A, S27010A, S26943A.
Identifiers: ClinVar variation 515279 (VCV000515279.5), dbSNP rs1553477432, ClinGen allele CA349399818.

ClinVar aggregate classification (germline): Conflicting classifications of pathogenicity. Review status: criteria provided, conflicting classifications (1 of 4 stars). 2 submissions from 2 submitters: Uncertain significance (1); Likely benign (1). Last evaluated 2018-01-29.

Allele frequency attached by ClinVar (database versions not stated): gnomAD exomes 0.00003.
gnomAD v4.1: 38 of 1,613,844 alleles (0.0024%); highest among the groups gnomAD compares: Non-Finnish European, 0.0032%; no homozygotes.

Submissions (2):

GeneDx
Classification: Likely benign. Last evaluated: 2018-01-29. Review status: criteria provided, single submitter. Criteria: GeneDx Variant Classification (06012015). Collection method: clinical testing. Allele origin: germline. Affected: yes.
Comment: This variant is considered likely benign or benign based on one or more of the following criteria: it is a conservative change, it occurs at a poorly conserved position in the protein, it is predicted to be benign by multiple in silico algorithms, and/or has population frequency not consistent with disease.

Eurofins Ntd Llc (ga)
Classification: Uncertain significance. Last evaluated: 2017-10-25. Review status: criteria provided, single submitter. Criteria: EGL Classification Definitions 2015. Collection method: clinical testing. Allele origin: germline. Observed: 1 variant allele, 1 heterozygote.